The following is an entry in ClinVar:

ClinVar aggregate classification (germline): Uncertain significance (1 of 4 stars; one submission).

Allele frequency attached by ClinVar (database versions not stated): gnomAD exomes 0.00001.
gnomAD v4.1: 4 of 1,613,896 alleles (0.00025%); highest among the groups gnomAD compares: Non-Finnish European, 0.00034%; no homozygotes.

Submission:

Labcorp Genetics (formerly Invitae), Labcorp
Classification: Uncertain significance. Last evaluated: 2022-02-05. Review status: criteria provided, single submitter. Criteria: Invitae Variant Classification Sherloc (09022015). Collection method: clinical testing. Allele origin: germline.
Comment: This variant has not been reported in the literature in individuals affected with FAT1-related conditions. This variant is not present in population databases (gnomAD no frequency). This sequence change replaces histidine, which is basic and polar, with tyrosine, which is neutral and polar, at codon 397 of the FAT1 protein (p.His397Tyr). In summary, the available evidence is currently insufficient to determine the role of this variant in disease. Therefore, it has been classified as a Variant of Uncertain Significance. Algorithms developed to predict the effect of missense changes on protein structure and function are either unavailable or do not agree on the potential impact of this missense change (SIFT: "Deleterious"; PolyPhen-2: "Benign"; Align-GVGD: "Class C35").

NM_005245.4(FAT1):c.1189C>T (p.His397Tyr)

Gene: FAT1 (FAT atypical cadherin 1; minus strand). Cytogenetic location: 4q35.2.
Variant type: single nucleotide variant.
Coding change: c.1189C>T on transcript NM_005245.4 (MANE Select); coding-DNA position 1189, C replaced by T.
Protein change: p.His397Tyr; replaces histidine 397 with tyrosine.
Molecular consequence: missense variant.
Genome position (GRCh38, 1-based): chr4:186,708,639, G>A on the plus strand (C>T on the coding strand, the complement: FAT1 is on the minus strand). VCF-style: chr4-186708639-G-A. GRCh37 (hg19) VCF-style: chr4-187629793-G-A.
Other names: short protein forms H397Y.
Identifiers: ClinVar variation 1345091 (VCV001345091.8), dbSNP rs2126697924, ClinGen allele CA358989667.